The following is an entry in ClinVar:

ClinVar aggregate classification (germline): Uncertain significance (1 of 4 stars; one submission).

gnomAD v4.1: 2 of 1,559,284 alleles (0.00013%); highest among the groups gnomAD compares: South Asian, 0.0012%; no homozygotes.

Submission:

Labcorp Genetics (formerly Invitae), Labcorp
Classification: Uncertain significance. Last evaluated: 2025-11-03. Review status: criteria provided, single submitter. Criteria: Invitae Variant Classification Sherloc (09022015). Collection method: clinical testing. Allele origin: germline.
Comment: This sequence change falls in intron 6 of the NXN gene. It does not directly change the encoded amino acid sequence of the NXN protein. It affects a nucleotide within the consensus splice site. The frequency data for this variant in the population databases is considered unreliable, as metrics indicate poor data quality at this position in the gnomAD database. This variant has not been reported in the literature in individuals affected with NXN-related conditions. Variants that disrupt the consensus splice site are a relatively common cause of aberrant splicing (PMID: 17576681, 9536098). Algorithms developed to predict the effect of sequence changes on RNA splicing suggest that this variant may disrupt the consensus splice site. In summary, the available evidence is currently insufficient to determine the role of this variant in disease. Therefore, it has been classified as a Variant of Uncertain Significance.

Literature cited by the submitters: PubMed 17576681; PubMed 9536098.

NM_022463.5(NXN):c.1000+5G>A

Gene: NXN (nucleoredoxin; minus strand). Cytogenetic location: 17p13.3.
Variant type: single nucleotide variant.
Coding change: c.1000+5G>A on transcript NM_022463.5 (MANE Select); 5 bases into the intron after coding-DNA position 1000, G replaced by A.
Molecular consequence: intron variant.
Genome position (GRCh38, 1-based): chr17:805,063, C>T on the plus strand (G>A on the coding strand, the complement: NXN is on the minus strand). VCF-style: chr17-805063-C-T. GRCh37 (hg19) VCF-style: chr17-708303-C-T.
Other names: c.676+5G>A (NM_001205319.1).
Identifiers: ClinVar variation 4693427 (VCV004693427.1).